The following is an entry in ClinVar:

NM_005343.4(HRAS):c.497A>G (p.His166Arg)

Genes: HRAS (HRas proto-oncogene, GTPase; minus strand), LRRC56 (leucine rich repeat containing 56; plus strand). Cytogenetic location: 11p15.5.
Variant type: single nucleotide variant.
Coding change: c.497A>G on transcript NM_005343.4 (MANE Select); coding-DNA position 497, A replaced by G.
Protein change: p.His166Arg; replaces histidine 166 with arginine.
Molecular consequence: missense variant. On other transcripts: 3 prime UTR variant (1).
Genome position (GRCh38, 1-based): chr11:532,709, T>C on the plus strand (A>G on the coding strand, the complement: HRAS is on the minus strand). VCF-style: chr11-532709-T-C. GRCh37 (hg19) VCF-style: chr11-532709-T-C.
Other names: c.497A>G, p.His166Arg (NM_001130442.3); c.260A>G, p.His87Arg (NM_001318054.2); c.*66A>G (NM_176795.5); c.497A>G (NM_005343.3); short protein forms H166R, H87R.
Identifiers: ClinVar variation 1019189 (VCV001019189.8), dbSNP rs1851180327, ClinGen allele CA378921139.
Genomic context (GRCh38, chr11:532,709, plus strand): 5'-CACTTGCAGCTCATGCAGCCGGGGCCACTCTCATCAGGAGGGTTCAGCTTCCGCAGCTTG[T>C]GCTGCCGGATCTCACGCACCAACGTGTAGAAGGCATCCTCCACTCCCTGGGAAAGGAGGG-3'
Protein context (NP_005334.1, residues 156-176): FYTLVREIRQ[His166Arg]KLRKLNPPDE

ClinVar aggregate classification (germline): Uncertain significance. Review status: criteria provided, multiple submitters, no conflicts (2 of 4 stars). 2 submissions from 2 submitters: Uncertain significance (2). Last evaluated 2026-01-26.

Conditions:
Costello syndrome (CSTLO). Also called: FACIOCUTANEOSKELETAL SYNDROME; HRAS-Related Costello Syndrome; FCS SYNDROME. Identifiers: Orphanet 3071, MedGen C0587248, MONDO:0009026, OMIM 218040.
HRAS-related disorder. Also called: HRAS-related condition.

gnomAD v4.1: 1 of 1,613,170 alleles (0.000062%); no homozygotes.

Submissions (2):

Labcorp Genetics (formerly Invitae), Labcorp
Classification: Uncertain significance for Costello syndrome. Last evaluated: 2026-01-26. Review status: criteria provided, single submitter. Criteria: Invitae Variant Classification Sherloc (09022015). Collection method: clinical testing. Allele origin: germline.
Comment: This sequence change replaces histidine, which is basic and polar, with arginine, which is basic and polar, at codon 166 of the HRAS protein (p.His166Arg). This variant is not present in population databases (gnomAD no frequency). This variant has not been reported in the literature in individuals affected with HRAS-related conditions. ClinVar contains an entry for this variant (Variation ID: 1019189). Invitae Evidence Modeling of protein sequence and biophysical properties (such as structural, functional, and spatial information, amino acid conservation, physicochemical variation, residue mobility, and thermodynamic stability) indicates that this missense variant is not expected to disrupt HRAS protein function with a negative predictive value of 95%. In summary, the available evidence is currently insufficient to determine the role of this variant in disease. Therefore, it has been classified as a Variant of Uncertain Significance.

PreventionGenetics, part of Exact Sciences
Classification: Uncertain significance for HRAS-related condition. Last evaluated: 2022-09-21. Review status: criteria provided, single submitter. Criteria: ACMG Guidelines, 2015. Collection method: clinical testing. Allele origin: germline.
Comment: The HRAS c.497A>G variant is predicted to result in the amino acid substitution p.His166Arg. To our knowledge, this variant has not been reported in the literature or in a large population database, indicating this variant is rare. At this time, the clinical significance of this variant is uncertain due to the absence of conclusive functional and genetic evidence.